The following is an entry in ClinVar:

NM_000330.4(RS1):c.167C>T (p.Ser56Phe)

Gene: RS1 (retinoschisin 1; minus strand). Cytogenetic location: Xp22.13.
Variant type: single nucleotide variant.
Coding change: c.167C>T on transcript NM_000330.4 (MANE Select); coding-DNA position 167, C replaced by T.
Protein change: p.Ser56Phe; replaces serine 56 with phenylalanine.
Molecular consequence: missense variant.
Genome position (GRCh38, 1-based): chrX:18,656,670, G>A on the plus strand (C>T on the coding strand, the complement: RS1 is on the minus strand). VCF-style: chrX-18656670-G-A. GRCh37 (hg19) VCF-style: chrX-18674790-G-A.
Other names: c.167C>T (NM_000330.3); short protein forms S56F.
Identifiers: ClinVar variation 1059914 (VCV001059914.7), dbSNP rs1368151591, ClinGen allele CA412376108.
Genomic context (GRCh38, chrX:18,656,670, plus strand): 5'-TGTTCCCAATGACTGTTCCATCCCAAGGACAGGGGATACTCACCTGGTATACAGTCCAAG[G>A]AGGTGGCACCTGCAGACCACAGAGCATTGGGTCCTCCTTGGCAATCGCACTTGCATGCTT-3'
Protein context (NP_000321.1, residues 46-66): PNALWSAGAT[Ser56Phe]LDCIPECPYH

ClinVar aggregate classification (germline): Uncertain significance. Review status: criteria provided, multiple submitters, no conflicts (2 of 4 stars). 2 submissions from 2 submitters: Uncertain significance (2). Last evaluated 2026-05-21.

Conditions:
RS1-related disorder. Also called: RS1-related condition.

Allele frequency attached by ClinVar (database versions not stated): gnomAD 0.00001; gnomAD exomes 0.00001.
gnomAD v4.1: 10 of 1,205,678 alleles (0.00083%); highest among the groups gnomAD compares: Non-Finnish European, 0.00079%; no homozygotes.

Submissions (2):

PreventionGenetics, part of Exact Sciences
Classification: Uncertain significance for RS1-related condition. Last evaluated: 2026-05-21. Review status: criteria provided, single submitter. Criteria: ACMG Guidelines, 2015. Collection method: clinical testing. Allele origin: germline.
Comment: The RS1 c.167C>T variant is predicted to result in the amino acid substitution p.Ser56Phe. To our knowledge, this variant has not been reported in the literature or in a large population database (gnomAD), indicating this variant is rare. At this time, the clinical significance of this variant is uncertain due to the absence of conclusive functional and genetic evidence.

Labcorp Genetics (formerly Invitae), Labcorp
Classification: Uncertain significance. Last evaluated: 2021-08-25. Review status: criteria provided, single submitter. Criteria: Invitae Variant Classification Sherloc (09022015). Collection method: clinical testing. Allele origin: germline.
Comment: This sequence change replaces serine with phenylalanine at codon 56 of the RS1 protein (p.Ser56Phe). The serine residue is highly conserved and there is a large physicochemical difference between serine and phenylalanine. This variant is not present in population databases (ExAC no frequency). This variant has not been reported in the literature in individuals affected with RS1-related conditions. Algorithms developed to predict the effect of missense changes on protein structure and function are either unavailable or do not agree on the potential impact of this missense change (SIFT: "Deleterious"; PolyPhen-2: "Benign"; Align-GVGD: "Class C15"). In summary, the available evidence is currently insufficient to determine the role of this variant in disease. Therefore, it has been classified as a Variant of Uncertain Significance.